The following is an entry in ClinVar:

NM_000057.4(BLM):c.1481C>A (p.Thr494Asn)

Gene: BLM (BLM RecQ like helicase; plus strand). Cytogenetic location: 15q26.1.
Variant type: single nucleotide variant.
Coding change: c.1481C>A on transcript NM_000057.4 (MANE Select); coding-DNA position 1481, C replaced by A.
Protein change: p.Thr494Asn; replaces threonine 494 with asparagine.
Molecular consequence: missense variant.
Genome position (GRCh38, 1-based): chr15:90,760,854, C>A. VCF-style: chr15-90760854-C-A. GRCh37 (hg19) VCF-style: chr15-91304084-C-A.
Other names: c.1481C>A, p.Thr494Asn (NM_001287246.2, NM_001287247.2); c.356C>A, p.Thr119Asn (NM_001287248.2); short protein forms T119N, T494N.
Identifiers: ClinVar variation 1773575 (VCV001773575.2), dbSNP rs751600686, ClinGen allele CA7738542.

ClinVar aggregate classification (germline): Uncertain significance (1 of 4 stars; one submission).

Conditions:
Hereditary cancer-predisposing syndrome. Also called: Hereditary Cancer Syndrome; Hereditary neoplastic syndrome; Neoplastic Syndromes, Hereditary; Tumor predisposition. Identifiers: Orphanet 140162, MedGen C0027672, MeSH D009386, MONDO:0015356.

Allele frequency attached by ClinVar (database versions not stated): ExAC 0.00002.
gnomAD v4.1: 5 of 1,613,922 alleles (0.00031%); highest among the groups gnomAD compares: South Asian, 0.0055%; no homozygotes.

Submission:

Ambry Genetics
Classification: Uncertain significance for Hereditary cancer-predisposing syndrome. Last evaluated: 2023-10-01. Review status: criteria provided, single submitter. Criteria: Ambry Variant Classification Scheme 2023. Collection method: clinical testing. Allele origin: germline.
Comment: The p.T494N variant (also known as c.1481C>A), located in coding exon 6 of the BLM gene, results from a C to A substitution at nucleotide position 1481. The threonine at codon 494 is replaced by asparagine, an amino acid with similar properties. This amino acid position is poorly conserved in available vertebrate species. In addition, this alteration is predicted to be tolerated by in silico analysis. Since supporting evidence is limited at this time, the clinical significance of this alteration remains unclear.